The following is an entry in ClinVar:

NM_001267550.2(TTN):c.9472-1G>T

Gene: TTN (titin; minus strand). Cytogenetic location: 2q31.2.
Variant type: single nucleotide variant.
Coding change: c.9472-1G>T on transcript NM_001267550.2 (MANE Select); the canonical splice acceptor site of the intron before coding-DNA position 9472, G replaced by T.
Molecular consequence: splice acceptor variant.
Genome position (GRCh38, 1-based): chr2:178,766,613, C>A on the plus strand (G>T on the coding strand, the complement: TTN is on the minus strand). VCF-style: chr2-178766613-C-A. GRCh37 (hg19) VCF-style: chr2-179631340-C-A.
Other names: c.9334-1G>T (NM_133437.4, NM_133432.3, NM_003319.4); c.9472-1G>T (NM_133378.4, NM_001256850.1, NM_133379.5).
Identifiers: ClinVar variation 2022358 (VCV002022358.5), dbSNP rs2090472968, ClinGen allele CA349675090.

ClinVar aggregate classification (germline): Conflicting classifications of pathogenicity. Review status: criteria provided, conflicting classifications (1 of 4 stars). 2 submissions from 2 submitters: Pathogenic (1); Uncertain significance (1). Last evaluated 2024-10-18.

Conditions:
Autosomal recessive limb-girdle muscular dystrophy type 2J (LGMDR10). Also called: Limb-girdle muscular dystrophy, type 2J; MUSCULAR DYSTROPHY, LIMB-GIRDLE, AUTOSOMAL RECESSIVE 10. Identifiers: Orphanet 140922, MedGen C1837342, MONDO:0012127, OMIM 608807.
Dilated cardiomyopathy 1G (CMD1G). Identifiers: Orphanet 154, MedGen C1858763, MONDO:0011400, OMIM 604145.

Submissions (2):

Labcorp Genetics (formerly Invitae), Labcorp
Classification: Pathogenic for Dilated cardiomyopathy 1G; Autosomal recessive limb-girdle muscular dystrophy type 2J. Last evaluated: 2024-10-18. Review status: criteria provided, single submitter. Criteria: Invitae Variant Classification Sherloc (09022015). Collection method: clinical testing. Allele origin: germline.
Comment: This sequence change affects an acceptor splice site in intron 40 of the TTN gene. It is expected to disrupt RNA splicing and likely results in a truncated or disrupted TTN protein. This variant is not present in population databases (gnomAD no frequency). Disruption of this splice site has been observed in individual(s) with dilated cardiomyopathy (internal data). In at least one individual the variant was observed to be de novo. ClinVar contains an entry for this variant (Variation ID: 2022358). Algorithms developed to predict the effect of sequence changes on RNA splicing suggest that this variant may disrupt the consensus splice site. This variant is located in the I band of TTN (PMID: 25589632). Truncating variants in this region have been reported in individuals affected with autosomal recessive centronuclear myopathy (PMID: 23975875, internal data). Truncating variants in this region have also been identified in individuals affected with autosomal dominant dilated cardiomyopathy and/or cardio-related conditions (PMID: 27869827, 32964742, internal data). For these reasons, this variant has been classified as Pathogenic.

Mayo Clinic Laboratories, Mayo Clinic
Classification: Uncertain significance. Last evaluated: 2022-04-07. Review status: criteria provided, single submitter. Criteria: ACMG Guidelines, 2015. Collection method: clinical testing. Allele origin: germline. Observed: 1 variant allele.
Comment: PM2, PVS1_strong

Literature cited by the submitters: PubMed 25589632 (cited by Labcorp Genetics (formerly Invitae), Labcorp); PubMed 23975875 (cited by Labcorp Genetics (formerly Invitae), Labcorp); PubMed 27869827 (cited by Labcorp Genetics (formerly Invitae), Labcorp); PubMed 32964742 (cited by Labcorp Genetics (formerly Invitae), Labcorp).